The following is an entry in ClinVar:

NM_000092.5(COL4A4):c.*718G>C

Gene: COL4A4 (collagen type IV alpha 4 chain; minus strand). Cytogenetic location: 2q36.3.
Variant type: single nucleotide variant.
Coding change: c.*718G>C on transcript NM_000092.5 (MANE Select); 718 bases downstream of the stop codon, G replaced by C.
Molecular consequence: 3 prime UTR variant.
Genome position (GRCh38, 1-based): chr2:227,006,607, C>G on the plus strand (G>C on the coding strand, the complement: COL4A4 is on the minus strand). VCF-style: chr2-227006607-C-G. GRCh37 (hg19) VCF-style: chr2-227871323-C-G.
Identifiers: ClinVar variation 897404 (VCV000897404.4), dbSNP rs183147767, ClinGen allele CA67238153.
Genomic context (GRCh38, chr2:227,006,607, plus strand): 5'-AATATTTTTTTTCCATAATTGCTACTTTTCAAAAGGGTTGCCAAAGTAGGCATTTCTATT[C>G]TCTGAAAAATGCAGAAGAGAACATAATGTTTTATATTCATCTGTGATGTGTTTATGCTAA-3'

ClinVar aggregate classification (germline): Likely benign (1 of 4 stars; one submission).

Conditions:
Alport syndrome. Also called: Hemorrhagic familial nephritis; Hemorrhagic hereditary nephritis; Congenital hereditary hematuria. Identifiers: Orphanet 63, MedGen C1567741, MONDO:0018965.

Allele frequency attached by ClinVar (database versions not stated): gnomAD 0.00509 and 0.00543; TOPMed 0.00571; 1000 Genomes Project 0.00599; 1000 Genomes Project 30x 0.00640.

Submission:

Illumina Laboratory Services, Illumina
Classification: Likely benign for Alport syndrome. Last evaluated: 2018-01-12. Review status: criteria provided, single submitter. Criteria: ICSL Variant Classification Criteria 13 December 2019. Collection method: clinical testing. Allele origin: germline.
Comment: This variant was observed in the ICSL laboratory as part of a predisposition screen in an ostensibly healthy population. It had not been previously curated by ICSL or reported in the Human Gene Mutation Database (HGMD: prior to June 1st, 2018), and was therefore a candidate for classification through an automated scoring system. Utilizing variant allele frequency, disease prevalence and penetrance estimates, and inheritance mode, an automated score was calculated to assess if this variant is too frequent to cause the disease. Based on the score and internal cut-off values, a variant classified as likely benign is not then subjected to further curation. The score for this variant resulted in a classification of likely benign for this disease.